The following is an entry in ClinVar:

ClinVar aggregate classification (germline): Uncertain significance (1 of 4 stars; one submission).

Submission:

GeneDx
Classification: Uncertain significance. Last evaluated: 2023-04-03. Review status: criteria provided, single submitter. Criteria: GeneDx Variant Classification Process June 2021. Collection method: clinical testing. Allele origin: germline. Affected: yes.
Comment: Has not been previously published as pathogenic or benign to our knowledge; Not observed at significant frequency in large population cohorts (gnomAD); In silico analysis supports that this missense variant does not alter protein structure/function

NM_016239.4(MYO15A):c.879C>G (p.Asp293Glu)

Gene: MYO15A (myosin XVA; plus strand). Cytogenetic location: 17p11.2.
Variant type: single nucleotide variant.
Coding change: c.879C>G on transcript NM_016239.4 (MANE Select); coding-DNA position 879, C replaced by G.
Protein change: p.Asp293Glu; replaces aspartic acid 293 with glutamic acid.
Molecular consequence: missense variant.
Genome position (GRCh38, 1-based): chr17:18,119,679, C>G. VCF-style: chr17-18119679-C-G. GRCh37 (hg19) VCF-style: chr17-18022993-C-G.
Other names: short protein forms D293E.
Identifiers: ClinVar variation 2663368 (VCV002663368.1), dbSNP rs2545177107, ClinGen allele CA398576270.